The following is an entry in ClinVar:

ClinVar aggregate classification (germline): Uncertain significance. Review status: criteria provided, multiple submitters, no conflicts (2 of 4 stars). 2 submissions from 2 submitters: Uncertain significance (2). Last evaluated 2025-06-25.

Conditions:
Familial thoracic aortic aneurysm and aortic dissection (TAAD). Also called: Thoracic aortic aneurysms and dissections. Identifiers: Orphanet 91387, MedGen C4707243, MONDO:0019625.
Loeys-Dietz syndrome 2 (LDS2). Also called: TGFBR2-Related Loeys-Dietz Syndrome; AORTIC ANEURYSM, FAMILIAL THORACIC 3; MARFAN SYNDROME, TYPE II; Marfan syndrome, type 2 (formerly); Marfan Syndrome type 2; Marfan like connective tissue disorder. Identifiers: Orphanet 284973, Orphanet 558, MedGen C2674574, MONDO:0012427, OMIM 610168.

Allele frequency attached by ClinVar (database versions not stated): gnomAD exomes 0.00001.
gnomAD v4.1: 3 of 1,501,574 alleles (0.0002%); highest among the groups gnomAD compares: Non-Finnish European, 0.00027%; no homozygotes.

Submissions (2):

Color Diagnostics, LLC DBA Color Health
Classification: Uncertain significance for Familial thoracic aortic aneurysm and aortic dissection. Last evaluated: 2025-06-25. Review status: criteria provided, single submitter. Criteria: ACMG Guidelines, 2015. Collection method: clinical testing. Allele origin: germline.
Comment: This variant causes a G to A nucleotide substitution at the -9 position in the 5' untranslated region in the TGFBR2 protein. To our knowledge, functional studies have not been reported for this variant. This variant has not been reported in individuals affected with TGFBR2-related disorders in the literature. This variant has been identified in 3/159648 chromosomes in the general population by the Genome Aggregation Database (gnomAD). The available evidence is insufficient to determine the role of this variant in disease conclusively. Therefore, this variant is classified as a Variant of Uncertain Significance.

All of Us Research Program, National Institutes of Health
Classification: Uncertain significance for Loeys-Dietz syndrome 2. Last evaluated: 2023-06-08. Review status: criteria provided, single submitter. Criteria: ACMG Guidelines, 2015. Collection method: clinical testing. Allele origin: germline. Inheritance: Autosomal dominant inheritance. Observed: 1 variant allele, 1 heterozygote.
Comment: This variant causes a G to A nucleotide substitution at the -9 position in the 5' untranslated region in the TGFBR2 protein. To our knowledge, functional studies have not been reported for this variant. This variant has not been reported in individuals affected with TGFBR2-related disorders in the literature. This variant has been identified in 3/159648 chromosomes in the general population by the Genome Aggregation Database (gnomAD). The available evidence is insufficient to determine the role of this variant in disease conclusively. Therefore, this variant is classified as a Variant of Uncertain Significance.

This study involves interpretation of variants in research participants for the purpose of population health screening. Participant phenotype was not available at the time of variant classification. Additional details can be found in publication PMID: 35346344, PMCID: PMC8962531

NM_003242.6(TGFBR2):c.-9G>A

Gene: TGFBR2 (transforming growth factor beta receptor 2; plus strand). Cytogenetic location: 3p24.1.
Variant type: single nucleotide variant.
Coding change: c.-9G>A on transcript NM_003242.6 (MANE Select); 9 bases upstream of the start codon, G replaced by A.
Molecular consequence: 5 prime UTR variant. On other transcripts: intron variant (2).
Genome position (GRCh38, 1-based): chr3:30,606,875, G>A. VCF-style: chr3-30606875-G-A. GRCh37 (hg19) VCF-style: chr3-30648367-G-A.
Other names: c.-9G>A (NM_001024847.3, NM_001407126.1, NM_001407127.1 and 4 more transcripts); c.-292G>A (NM_001407133.1); c.-170G>A (NM_001407134.1); c.-217G>A (NM_001407135.1); c.-302G>A (NM_001407136.1); c.-12+282G>A (NM_001407129.1, NM_001407132.1).
Identifiers: ClinVar variation 3071608 (VCV003071608.2), dbSNP rs1406962229, ClinGen allele CA542110310.